The following is an entry in ClinVar:

NM_004329.3(BMPR1A):c.214A>T (p.Ile72Phe)

Gene: BMPR1A (bone morphogenetic protein receptor type 1A; plus strand). Cytogenetic location: 10q23.2.
Variant type: single nucleotide variant.
Coding change: c.214A>T on transcript NM_004329.3 (MANE Select); coding-DNA position 214, A replaced by T.
Protein change: p.Ile72Phe; replaces isoleucine 72 with phenylalanine.
Molecular consequence: missense variant. On other transcripts: non-coding transcript variant (3).
Genome position (GRCh38, 1-based): chr10:86,890,208, A>T. VCF-style: chr10-86890208-A-T. GRCh37 (hg19) VCF-style: chr10-88649965-A-T.
Other names: c.214A>T, p.Ile72Phe (NM_001406559.1, NM_001406560.1, NM_001406580.1 and 23 more transcripts); c.130A>T, p.Ile44Phe (NM_001406584.1, NM_001406585.1, NM_001406586.1 and 2 more transcripts); short protein forms I44F, I72F.
Identifiers: ClinVar variation 3664746 (VCV003664746.3).

ClinVar aggregate classification (germline): Uncertain significance. Review status: criteria provided, multiple submitters, no conflicts (2 of 4 stars). 2 submissions from 2 submitters: Uncertain significance (2). Last evaluated 2025-07-18.

Conditions:
Juvenile polyposis syndrome (JPS). Identifiers: Orphanet 2929, MedGen C0345893, MONDO:0017380, OMIM 174900.
Hereditary cancer-predisposing syndrome. Also called: Hereditary Cancer Syndrome; Tumor predisposition; Hereditary neoplastic syndrome; Neoplastic Syndromes, Hereditary. Identifiers: Orphanet 140162, MedGen C0027672, MeSH D009386, MONDO:0015356.

Submissions (2):

Ambry Genetics
Classification: Uncertain significance for Hereditary cancer-predisposing syndrome. Last evaluated: 2025-07-18. Review status: criteria provided, single submitter. Criteria: Ambry Variant Classification Scheme 2023. Collection method: clinical testing. Allele origin: germline.
Comment: The p.I72F variant (also known as c.214A>T), located in coding exon 2 of the BMPR1A gene, results from an A to T substitution at nucleotide position 214. The isoleucine at codon 72 is replaced by phenylalanine, an amino acid with highly similar properties. This amino acid position is conserved. In addition, the in silico prediction for this alteration is inconclusive. Based on the available evidence, the clinical significance of this variant remains unclear.

Labcorp Genetics (formerly Invitae), Labcorp
Classification: Uncertain significance for Juvenile polyposis syndrome. Last evaluated: 2025-01-15. Review status: criteria provided, single submitter. Criteria: Invitae Variant Classification Sherloc (09022015). Collection method: clinical testing. Allele origin: germline.
Comment: This sequence change replaces isoleucine, which is neutral and non-polar, with phenylalanine, which is neutral and non-polar, at codon 72 of the BMPR1A protein (p.Ile72Phe). This variant is not present in population databases (gnomAD no frequency). This variant has not been reported in the literature in individuals affected with BMPR1A-related conditions. Invitae Evidence Modeling of protein sequence and biophysical properties (such as structural, functional, and spatial information, amino acid conservation, physicochemical variation, residue mobility, and thermodynamic stability) has been performed for this missense variant. However, the output from this modeling did not meet the statistical confidence thresholds required to predict the impact of this variant on BMPR1A protein function. In summary, the available evidence is currently insufficient to determine the role of this variant in disease. Therefore, it has been classified as a Variant of Uncertain Significance.